The following is an entry in ClinVar:

NM_020774.4(MIB1):c.60C>T (p.Arg20=)

Gene: MIB1 (MIB E3 ubiquitin protein ligase 1; plus strand). Cytogenetic location: 18q11.2.
Variant type: single nucleotide variant.
Coding change: c.60C>T on transcript NM_020774.4 (MANE Select); coding-DNA position 60, C replaced by T.
Protein change: p.Arg20=; no amino-acid change (arginine 20 retained).
Molecular consequence: synonymous variant.
Genome position (GRCh38, 1-based): chr18:21,741,643, C>T. VCF-style: chr18-21741643-C-T. GRCh37 (hg19) VCF-style: chr18-19321604-C-T.
Identifiers: ClinVar variation 704721 (VCV000704721.10), dbSNP rs147910898, ClinGen allele CA8907914.

ClinVar aggregate classification (germline): Likely benign. Review status: criteria provided, multiple submitters, no conflicts (2 of 4 stars). 4 submissions from 4 submitters: Likely benign (3). 1 of the submissions does not count toward it. Last evaluated 2020-03-03.

Conditions:
MIB1-related disorder. Also called: MIB1-related condition.
Inborn genetic diseases. Identifiers: MedGen C0950123, MeSH D030342.

Allele frequency attached by ClinVar (database versions not stated): gnomAD exomes 0.00013 and 0.00039; ExAC 0.00022; TOPMed 0.00022; gnomAD 0.00027 and 0.00029; ESP Exome Variant Server 0.00054.
gnomAD v4.1: 610 of 1,609,580 alleles (0.038%); highest among the groups gnomAD compares: Non-Finnish European, 0.048%; 1 homozygote.

Submissions (4):

GeneDx
Classification: Likely benign. Last evaluated: 2020-03-03. Review status: criteria provided, single submitter. Criteria: GeneDx Variant Classification Process June 2021. Collection method: clinical testing. Allele origin: germline. Affected: yes.

Labcorp Genetics (formerly Invitae), Labcorp
Classification: Likely benign. Last evaluated: 2019-12-31. Review status: criteria provided, single submitter. Criteria: Invitae Variant Classification Sherloc (09022015). Collection method: clinical testing. Allele origin: germline.

Ambry Genetics
Classification: Likely benign for Inborn genetic diseases. Last evaluated: 2019-05-20. Review status: criteria provided, single submitter. Criteria: Ambry Variant Classification Scheme 2023. Collection method: clinical testing. Allele origin: germline.

PreventionGenetics, part of Exact Sciences
Classification: Likely benign for MIB1-related condition. Last evaluated: 2024-02-13. Review status: no assertion criteria provided. Collection method: clinical testing. Allele origin: germline. Not counted in ClinVar's aggregate classification.
Comment: This variant is classified as likely benign based on ACMG/AMP sequence variant interpretation guidelines (Richards et al. 2015 PMID: 25741868, with internal and published modifications).